The following is an entry in ClinVar:

ClinVar aggregate classification (germline): Benign/Likely benign. Review status: criteria provided, multiple submitters, no conflicts (2 of 4 stars). 4 submissions from 4 submitters: Benign (1); Likely benign (3). Last evaluated 2023-04-01.

Conditions:
Inborn genetic diseases. Identifiers: MedGen C0950123, MeSH D030342.

Allele frequency attached by ClinVar (database versions not stated): gnomAD exomes 0.00016; ExAC 0.00023; ESP Exome Variant Server 0.00046; gnomAD 0.00052 and 0.00058; TOPMed 0.00056; 1000 Genomes Project 0.00120; 1000 Genomes Project 30x 0.00141.
gnomAD v4.1: 152 of 1,614,018 alleles (0.0094%); highest among the groups gnomAD compares: African/African-American, 0.18%; no homozygotes.

Submissions (4):

CeGaT Center for Human Genetics Tuebingen
Classification: Likely benign. Last evaluated: 2023-04-01. Review status: criteria provided, single submitter. Criteria: CeGaT Center For Human Genetics Tuebingen Variant Classification Criteria Version 2. Collection method: clinical testing. Allele origin: germline. Affected: yes. Observed: 1 variant allele.
Comment: MED23: BP4, BP7

Genetic Services Laboratory, University of Chicago
Classification: Likely benign. Last evaluated: 2019-07-03. Review status: criteria provided, single submitter. Criteria: ACMG Guidelines, 2015. Collection method: clinical testing. Allele origin: germline. Affected: no.

Labcorp Genetics (formerly Invitae), Labcorp
Classification: Benign. Last evaluated: 2018-10-11. Review status: criteria provided, single submitter. Criteria: Invitae Variant Classification Sherloc (09022015). Collection method: clinical testing. Allele origin: germline.

Ambry Genetics
Classification: Likely benign for Inborn genetic diseases. Last evaluated: 2017-07-12. Review status: criteria provided, single submitter. Criteria: Ambry Variant Classification Scheme 2023. Collection method: clinical testing. Allele origin: germline.

NM_004830.4(MED23):c.2034A>G (p.Ala678=)

Gene: MED23 (mediator complex subunit 23; minus strand). Cytogenetic location: 6q23.2.
Variant type: single nucleotide variant.
Coding change: c.2034A>G on transcript NM_004830.4 (MANE Select); coding-DNA position 2034, A replaced by G.
Protein change: p.Ala678=; no amino-acid change (alanine 678 retained).
Molecular consequence: synonymous variant.
Genome position (GRCh38, 1-based): chr6:131,602,279, T>C on the plus strand (A>G on the coding strand, the complement: MED23 is on the minus strand). VCF-style: chr6-131602279-T-C. GRCh37 (hg19) VCF-style: chr6-131923419-T-C.
Other names: c.2034A>G, p.Ala678= (NM_001270521.2, NM_001270522.2, NM_001376519.1 and 3 more transcripts); c.2052A>G, p.Ala684= (NM_001376517.1, NM_015979.4); c.1980A>G, p.Ala660= (NM_001376518.1); c.1893A>G, p.Ala631= (NM_001376520.1); c.1779A>G, p.Ala593= (NM_001376523.1).
Identifiers: ClinVar variation 732114 (VCV000732114.33), dbSNP rs143184324, ClinGen allele CA3999901.